The following is an entry in ClinVar:

NM_001018115.3(FANCD2):c.2751A>G (p.Leu917=)

Genes: FANCD2 (FA complementation group D2; plus strand), LOC107303338 (3p25 FANCD2 Alu-mediated recombination region; plus strand). Cytogenetic location: 3p25.3.
Variant type: single nucleotide variant.
Coding change: c.2751A>G on transcript NM_001018115.3 (MANE Select); coding-DNA position 2751, A replaced by G.
Protein change: p.Leu917=; no amino-acid change (leucine 917 retained).
Molecular consequence: synonymous variant.
Genome position (GRCh38, 1-based): chr3:10,074,565, A>G. VCF-style: chr3-10074565-A-G. GRCh37 (hg19) VCF-style: chr3-10116249-A-G.
Other names: c.2751A>G, p.Leu917= (NM_001319984.2, NM_001374254.1, NM_033084.6); c.2640A>G, p.Leu880= (NM_001374253.1).
Identifiers: ClinVar variation 1093001 (VCV001093001.34), dbSNP rs766286504, ClinGen allele CA2250181.
Genomic context (GRCh38, chr3:10,074,565, plus strand): 5'-CTTTGTTGCTGTGACTTCCCCATAGGAGTTCACAGGGAAGGAAGAAAAGACATCATTGTT[A>G]CTACATAATTCCCATGCTTTTTTCCGAGAGCTGGACATTGAGGTCTTCTCTATTCTACAT-3'
Protein context (NP_001018125.1, residues 907-927): FTGKEEKTSL[Leu917=]LHNSHAFFRE

ClinVar aggregate classification (germline): Likely benign. Review status: criteria provided, multiple submitters, no conflicts (2 of 4 stars). 5 submissions from 5 submitters: Likely benign (4). 1 of the submissions does not count toward it. Last evaluated 2025-12-23.

Conditions:
FANCD2-related disorder. Also called: FANCD2-related condition.
Fanconi anemia (FA). Also called: Fanconi's anemia. Identifiers: Orphanet 84, MedGen C0015625, MeSH D005199, MONDO:0019391.
Fanconi anemia complementation group D2. Also called: FANCD2-Related Fanconi Anemia; FANCONI PANCYTOPENIA, TYPE 4; FANCONI ANEMIA, COMPLEMENTATION GROUP D. Identifiers: Orphanet 84, MedGen C3160738, MONDO:0009214, OMIM 227646.

Allele frequency attached by ClinVar (database versions not stated): gnomAD 0.00001 and 0.00002; TOPMed 0.00001; ExAC 0.00004.
gnomAD v4.1: 51 of 1,613,858 alleles (0.0032%); highest among the groups gnomAD compares: Middle Eastern, 0.12%; 1 homozygote.

Submissions (5):

Labcorp Genetics (formerly Invitae), Labcorp
Classification: Likely benign for Fanconi anemia. Last evaluated: 2025-12-23. Review status: criteria provided, single submitter. Criteria: Invitae Variant Classification Sherloc (09022015). Collection method: clinical testing. Allele origin: germline.

CeGaT Center for Human Genetics Tuebingen
Classification: Likely benign. Last evaluated: 2024-02-01. Review status: criteria provided, single submitter. Criteria: CeGaT Center For Human Genetics Tuebingen Variant Classification Criteria Version 2. Collection method: clinical testing. Allele origin: germline. Affected: yes. Observed: 1 variant allele.
Comment: FANCD2: BP4, BP7

Fulgent Genetics
Classification: Likely benign for Fanconi anemia complementation group D2. Last evaluated: 2022-04-10. Review status: criteria provided, single submitter. Criteria: ACMG Guidelines, 2015. Collection method: clinical testing. Allele origin: unknown.

Sema4
Classification: Likely benign for Fanconi anemia. Last evaluated: 2020-10-08. Review status: criteria provided, single submitter. Criteria: Sema4 Curation Guidelines. Collection method: curation. Allele origin: germline.

PreventionGenetics, part of Exact Sciences
Classification: Likely benign for FANCD2-related condition. Last evaluated: 2019-08-06. Review status: no assertion criteria provided. Collection method: clinical testing. Allele origin: germline. Not counted in ClinVar's aggregate classification.
Comment: This variant is classified as likely benign based on ACMG/AMP sequence variant interpretation guidelines (Richards et al. 2015 PMID: 25741868, with internal and published modifications).